The following is an entry in ClinVar:

ClinVar aggregate classification (germline): Pathogenic (1 of 4 stars; one submission).

Conditions:
Severe combined immunodeficiency due to DCLRE1C deficiency (RS-SCID). Also called: SCID, AUTOSOMAL RECESSIVE, T CELL-NEGATIVE, B CELL-NEGATIVE, NK CELL-POSITIVE, WITH SENSITIVITY TO IONIZING RADIATION. Identifiers: Orphanet 275, MedGen C1865371, MONDO:0011225, OMIM 602450.

Submission:

Labcorp Genetics (formerly Invitae), Labcorp
Classification: Pathogenic for Athabaskan severe combined immunodeficiency. Last evaluated: 2023-12-12. Review status: criteria provided, single submitter. Criteria: Invitae Variant Classification Sherloc (09022015). Collection method: clinical testing. Allele origin: germline.
Comment: This sequence change creates a premature translational stop signal (p.Leu429Glnfs*24) in the DCLRE1C gene. While this is not anticipated to result in nonsense mediated decay, it is expected to disrupt the last 264 amino acid(s) of the DCLRE1C protein. This variant is not present in population databases (gnomAD no frequency). This variant has not been reported in the literature in individuals affected with DCLRE1C-related conditions. This variant disrupts a region of the DCLRE1C protein in which other variant(s) (p.Thr557Asnfs*21) have been determined to be pathogenic (PMID: 26476407). This suggests that this is a clinically significant region of the protein, and that variants that disrupt it are likely to be disease-causing. For these reasons, this variant has been classified as Pathogenic.

Literature cited by the submitters: PubMed 26476407.

NM_001033855.3(DCLRE1C):c.1286_1287del (p.Leu429fs)

Gene: DCLRE1C (DNA cross-link repair 1C; minus strand). Cytogenetic location: 10p13.
Variant type: Deletion.
Coding change: c.1286_1287del on transcript NM_001033855.3 (MANE Select); coding-DNA positions 1286 to 1287, 2 bases deleted (TG; older notation c.1286_1287delTG).
Protein change: p.Leu429fs; shifts the reading frame from leucine 429.
Molecular consequence: frameshift variant. On other transcripts: non-coding transcript variant (4).
Genome position (GRCh38, 1-based): chr10:14,909,200-14,909,201, CA deleted on the plus strand (TG on the coding strand, the reverse complement: DCLRE1C is on the minus strand). VCF-style (leftmost placement, unchanged base first): chr10-14909199-TCA-T. GRCh37 (hg19) VCF-style: chr10-14951198-TCA-T.
Other names: c.926_927del, p.Leu309fs (NM_001289079.2, NM_001350967.2, NM_001033857.3 and 2 more transcripts); c.1286_1287del, p.Leu429fs (NM_001350965.2); c.941_942del, p.Leu314fs (NM_001350966.2, NM_022487.4, NM_001289076.2 and 1 more transcripts); short protein forms L429fs, L314fs, L309fs.
Identifiers: ClinVar variation 2754356 (VCV002754356.3), dbSNP rs2491635110, ClinGen allele CA2574495843.